The following is an entry in ClinVar:

ClinVar aggregate classification (germline): Uncertain significance (1 of 4 stars; one submission).

Conditions:
Charcot-Marie-Tooth disease type 2E (CMT2E). Also called: CHARCOT-MARIE-TOOTH NEUROPATHY, TYPE 2E; CHARCOT-MARIE-TOOTH DISEASE, AXONAL, TYPE 2E. Identifiers: Orphanet 99939, MedGen C1843225, MONDO:0011894, OMIM 607684.

Submission:

Labcorp Genetics (formerly Invitae), Labcorp
Classification: Uncertain significance for Charcot-Marie-Tooth disease type 2E. Last evaluated: 2022-06-23. Review status: criteria provided, single submitter. Criteria: Invitae Variant Classification Sherloc (09022015). Collection method: clinical testing. Allele origin: germline.
Comment: This variant has not been reported in the literature in individuals affected with NEFL-related conditions. In summary, the available evidence is currently insufficient to determine the role of this variant in disease. Therefore, it has been classified as a Variant of Uncertain Significance. Experimental studies and prediction algorithms are not available or were not evaluated, and the functional significance of this variant is currently unknown. This variant is not present in population databases (gnomAD no frequency). This sequence change replaces glutamic acid, which is acidic and polar, with lysine, which is basic and polar, at codon 320 of the NEFL protein (p.Glu320Lys).

NM_006158.5(NEFL):c.958G>A (p.Glu320Lys)

Gene: NEFL (neurofilament light chain; minus strand). Cytogenetic location: 8p21.2.
Variant type: single nucleotide variant.
Coding change: c.958G>A on transcript NM_006158.5 (MANE Select); coding-DNA position 958, G replaced by A.
Protein change: p.Glu320Lys; replaces glutamic acid 320 with lysine.
Molecular consequence: missense variant.
Genome position (GRCh38, 1-based): chr8:24,955,558, C>T on the plus strand (G>A on the coding strand, the complement: NEFL is on the minus strand). VCF-style: chr8-24955558-C-T. GRCh37 (hg19) VCF-style: chr8-24813072-C-T.
Other names: short protein forms E320K.
Identifiers: ClinVar variation 2193190 (VCV002193190.4), dbSNP rs2486885898, ClinGen allele CA370621253.